The following continues an entry in ClinVar:

NM_000051.3(ATM):c.2839-579_2839-576del

Gene: ATM. ClinVar aggregate classification (germline): Pathogenic/Likely pathogenic. Pathogenic (10); Likely pathogenic (3).

Submissions 11 to 15 of 15:

Women's Health and Genetics/Laboratory Corporation of America, LabCorp
Classification: Pathogenic for Ataxia-telangiectasia syndrome. Last evaluated: 2022-03-01. Review status: criteria provided, single submitter. Criteria: LabCorp Variant Classification Summary - May 2015. Collection method: clinical testing. Allele origin: germline.
Comment: Variant summary: ATM c.2839-579_2839-576delAAGT is located at a position not widely known to affect splicing. Several computational tools predict a significant impact on normal splicing: two predict the variant weakens a cryptic 5 prime donor site; two predict the variant abolishes a 5 prime splicing donor site. However, at least one publication reports experimental evidence that this variant affects mRNA splicing. The variant was absent in 152078 control chromosomes. c.2839-579_2839-576delAAGT has been reported in the literature in individuals affected with Ataxia-Telangiectasia. These data indicate that the variant may be associated with disease. Four clinical diagnostic laboratories have submitted clinical-significance assessments for this variant to ClinVar after 2014 without evidence for independent evaluation. All laboratories classified the variant as pathogenic/likely pathogenic. Based on the evidence outlined above, the variant was classified as pathogenic.

Sema4
Classification: Likely pathogenic for Hereditary cancer-predisposing syndrome. Last evaluated: 2021-06-27. Review status: criteria provided, single submitter. Criteria: Sema4 Curation Guidelines. Collection method: curation. Allele origin: germline.
Comment: The ATM c.2839-579_2839-576delAAGT variant has been reported as compound heterozygous in at least four individuals with ataxia telangiectasia (PMID: 11889466, 9887333, 14695534). Minigene splicing assays have shown that this variant activates a cryptic splice site, which results in the inclusion of 65 nucleotides of the intronic sequence in the mature RNA transcript (PMID: 11889466, 19773425). Patient cell lines have been shown to express very little or no ATM protein and colony survival assays indicated that the cells lines were radiosensitive (PMID: 14695534). It is also known as IVS20-579delAAGT in the literature. This variant is not reported in the Genome Aggregation Database (PMID: 32461654) but has been reported in ClinVar (Variation ID: 3043). Based on the current evidence available, this variant is interpreted as likely pathogenic.

Department of Pathology and Laboratory Medicine, Sinai Health System
Classification: Likely pathogenic for ATM-related cancer predisposition. Review status: criteria provided, single submitter. Criteria: ACMG Guidelines, 2015. Collection method: clinical testing. Allele origin: germline.

Counsyl
Classification: Likely pathogenic for Ataxia-telangiectasia syndrome. Last evaluated: 2017-12-22. Review status: no assertion criteria provided. Collection method: clinical testing. Allele origin: unknown. Not counted in ClinVar's aggregate classification.

OMIM
Classification: Pathogenic for ATAXIA-TELANGIECTASIA. Last evaluated: 2004-01-01. Review status: no assertion criteria provided. Collection method: literature only. Allele origin: germline. Not counted in ClinVar's aggregate classification.

Literature cited by the submitters: PubMed 11889466 (cited by 10 submitters); PubMed 14695534 (cited by 9 submitters); PubMed 19773425 (cited by 4 submitters); PubMed 12815592 (cited by 3 submitters); PubMed 9887333 (cited by 3 submitters); PubMed 22213089 (cited by Color Diagnostics, LLC DBA Color Health and Myriad Genetics, Inc.); PubMed 31611883 (cited by Women's Health and Genetics/Laboratory Corporation of America, LabCorp).